The following is an entry in ClinVar:

ClinVar aggregate classification (germline): Benign. Review status: criteria provided, multiple submitters, no conflicts (2 of 4 stars). 2 submissions from 2 submitters: Benign (2). Last evaluated 2018-01-13.

Conditions:
Neuronopathy, distal hereditary motor, autosomal recessive 4. Also called: Autosomal recessive lower motor neuron disease with childhood onset; NEUROPATHY, DISTAL HEREDITARY MOTOR, AUTOSOMAL RECESSIVE 4. Identifiers: Orphanet 206580, MedGen C1970211, MONDO:0012608, OMIM 611067.

Allele frequency attached by ClinVar (database versions not stated): 1000 Genomes Project 30x 0.00874; TOPMed 0.01100; gnomAD 0.01132 and 0.01152; 1000 Genomes Project 0.00799.

Submissions (2):

Illumina Laboratory Services, Illumina
Classification: Benign for Neuronopathy, distal hereditary motor, autosomal recessive 4. Last evaluated: 2018-01-13. Review status: criteria provided, single submitter. Criteria: ICSL Variant Classification Criteria 13 December 2019. Collection method: clinical testing. Allele origin: germline.
Comment: This variant was observed in the ICSL laboratory as part of a predisposition screen in an ostensibly healthy population. It had not been previously curated by ICSL or reported in the Human Gene Mutation Database (HGMD: prior to June 1st, 2018), and was therefore a candidate for classification through an automated scoring system. Utilizing variant allele frequency, disease prevalence and penetrance estimates, and inheritance mode, an automated score was calculated to assess if this variant is too frequent to cause the disease. Based on the score and internal cut-off values, a variant classified as benign is not then subjected to further curation. The score for this variant resulted in a classification of benign for this disease.

Breakthrough Genomics
Classification: Benign. Review status: criteria provided, single submitter. Criteria: ACMG Guidelines, 2015. Collection method: not provided. Allele origin: germline. Inheritance: Autosomal recessive inheritance. Affected: yes.

NM_020631.4(PLEKHG5):c.*843G>T

Gene: PLEKHG5 (pleckstrin homology and RhoGEF domain containing G5; minus strand). Cytogenetic location: 1p36.31.
Variant type: single nucleotide variant.
Coding change: c.*843G>T on transcript NM_020631.4; 843 bases downstream of the stop codon, G replaced by T.
Genome position (GRCh38, 1-based): chr1:6,466,720, C>A on the plus strand (G>T on the coding strand, the complement: PLEKHG5 is on the minus strand). VCF-style: chr1-6466720-C-A. GRCh37 (hg19) VCF-style: chr1-6526780-C-A.
Other names: c.*843G>T (NM_020631.3).
Identifiers: ClinVar variation 297919 (VCV000297919.8), dbSNP rs12735472, ClinGen allele CA10611555.